The following is an entry in ClinVar:

NC_000023.11:g.(?_31932060)_(31968534_?)del

Gene: DMD (dystrophin; minus strand). Cytogenetic location: Xp21.1.
Variant type: Deletion.
Identifiers: ClinVar variation 584249 (VCV000584249.1).

ClinVar aggregate classification (germline): Pathogenic (1 of 4 stars; one submission).

Conditions:
Duchenne muscular dystrophy (DMD). Also called: MUSCULAR DYSTROPHY, PSEUDOHYPERTROPHIC PROGRESSIVE, DUCHENNE TYPE; Duchenne Muscular Dystrophy (DMD). Identifiers: Orphanet 98896, MedGen C0013264, MONDO:0010679, OMIM 310200.

Submission:

Labcorp Genetics (formerly Invitae), Labcorp
Classification: Pathogenic for Duchenne muscular dystrophy. Last evaluated: 2018-05-25. Review status: criteria provided, single submitter. Criteria: Invitae Variant Classification Sherloc (09022015). Collection method: clinical testing. Allele origin: germline.
Comment: This variant is an in-frame deletion of the genomic region encompassing exons 45-46 of the DMD gene. It preserves the integrity of the reading frame. A similar deletion of exons 45-46 has been reported in individuals affected withÂ¬â€ Duchenne muscular dystrophy or dilated cardiomyopathyÂ¬â€ (PMID: 2063877, 15723292, 21851881, 25244321). For these reasons, this variant has been classified as Pathogenic.

Literature cited by the submitters: PubMed 2063877; PubMed 15723292; PubMed 21851881; PubMed 25244321.